The following is an entry in ClinVar:

ClinVar aggregate classification (germline): Uncertain significance (1 of 4 stars; one submission).

Submission:

GeneDx
Classification: Uncertain significance. Last evaluated: 2019-08-19. Review status: criteria provided, single submitter. Criteria: GeneDx Variant Classification Process June 2021. Collection method: clinical testing. Allele origin: germline. Affected: yes.
Comment: Not observed at a significant frequency in large population cohorts (Lek 2016); In silico analysis, which includes splice predictors and evolutionary conservation, supports a deleterious effect; Has not been previously published as pathogenic or benign to our knowledge

NM_007194.4(CHEK2):c.445-6T>G

Gene: CHEK2 (checkpoint kinase 2; minus strand). Cytogenetic location: 22q12.1.
Variant type: single nucleotide variant.
Coding change: c.445-6T>G on transcript NM_007194.4 (MANE Select); 6 bases into the intron before coding-DNA position 445, T replaced by G.
Molecular consequence: intron variant.
Genome position (GRCh38, 1-based): chr22:28,725,130, A>C on the plus strand (T>G on the coding strand, the complement: CHEK2 is on the minus strand). VCF-style: chr22-28725130-A-C. GRCh37 (hg19) VCF-style: chr22-29121118-A-C.
Other names: c.-219-6T>G (NM_001437942.1); c.444+113T>G (NM_001349956.3); c.445-6T>G (NM_145862.3); c.-333-6T>G (NM_001257387.3); c.538-6T>G (NM_001438295.1, NM_001438293.1); c.574-6T>G (NM_001438294.1, NM_001005735.3).
Identifiers: ClinVar variation 1220020 (VCV001220020.3), dbSNP rs2146062425, ClinGen allele CA2499226099.